The following is an entry in ClinVar:

ClinVar aggregate classification (germline): Conflicting classifications of pathogenicity. Review status: criteria provided, conflicting classifications (1 of 4 stars). 5 submissions from 5 submitters: Uncertain significance (1); Likely benign (3). 1 of the submissions does not count toward it. Last evaluated 2025-09-16.

Conditions:
Cataract 36. Identifiers: MedGen C3151304, MONDO:0013484, OMIM 613887.
TDRD7-related disorder. Also called: TDRD7-related condition.

Allele frequency attached by ClinVar (database versions not stated): ExAC 0.00024; gnomAD exomes 0.00028 and 0.00051; ESP Exome Variant Server 0.00031; gnomAD 0.00032 and 0.00033; TOPMed 0.00034.
gnomAD v4.1: 796 of 1,613,746 alleles (0.049%); highest among the groups gnomAD compares: Non-Finnish European, 0.062%; no homozygotes.

Submissions (5):

Labcorp Genetics (formerly Invitae), Labcorp
Classification: Likely benign for Cataract 36. Last evaluated: 2025-09-16. Review status: criteria provided, single submitter. Criteria: Invitae Variant Classification Sherloc (09022015). Collection method: clinical testing. Allele origin: germline.

Blueprint Genetics
Classification: Likely benign. Last evaluated: 2024-01-12. Review status: criteria provided, single submitter. Criteria: ACMG Guidelines, 2015. Collection method: clinical testing. Allele origin: germline.

CeGaT Center for Human Genetics Tuebingen
Classification: Likely benign. Last evaluated: 2023-12-01. Review status: criteria provided, single submitter. Criteria: CeGaT Center For Human Genetics Tuebingen Variant Classification Criteria Version 2. Collection method: clinical testing. Allele origin: germline. Affected: yes. Observed: 1 variant allele.
Comment: TDRD7: BP4, BP7

Illumina Laboratory Services, Illumina
Classification: Uncertain significance for Cataract 36. Last evaluated: 2018-01-13. Review status: criteria provided, single submitter. Criteria: ICSL Variant Classification Criteria 13 December 2019. Collection method: clinical testing. Allele origin: germline.

PreventionGenetics, part of Exact Sciences
Classification: Likely benign for TDRD7-related condition. Last evaluated: 2020-01-10. Review status: no assertion criteria provided. Collection method: clinical testing. Allele origin: germline. Not counted in ClinVar's aggregate classification.
Comment: This variant is classified as likely benign based on ACMG/AMP sequence variant interpretation guidelines (Richards et al. 2015 PMID: 25741868, with internal and published modifications).

NM_014290.3(TDRD7):c.444C>T (p.Asn148=)

Gene: TDRD7 (tudor domain containing 7; plus strand). Cytogenetic location: 9q22.33.
Variant type: single nucleotide variant.
Coding change: c.444C>T on transcript NM_014290.3 (MANE Select); coding-DNA position 444, C replaced by T.
Protein change: p.Asn148=; no amino-acid change (asparagine 148 retained).
Molecular consequence: synonymous variant.
Genome position (GRCh38, 1-based): chr9:97,432,119, C>T. VCF-style: chr9-97432119-C-T. GRCh37 (hg19) VCF-style: chr9-100194401-C-T.
Other names: c.222C>T, p.Asn74= (NM_001302884.2).
Identifiers: ClinVar variation 772970 (VCV000772970.35), dbSNP rs144510531, ClinGen allele CA5146447.
Genomic context (GRCh38, chr9:97,432,119, plus strand): 5'-TGCTTCAAATTTTTCTGTTGGCAAAAAACCTAATCCAGCACCGTTAAGAGACAAAGGAAA[C>T]TCTGTTGGAGTTAAGCCTGATGCTGAAATGTCTCCTTATATGCTACACACAACTCTTGGA-3'
Protein context (NP_055105.2, residues 138-158): PNPAPLRDKG[Asn148=]SVGVKPDAEM